The following is an entry in ClinVar:

ClinVar aggregate classification (germline): Uncertain significance. Review status: criteria provided, multiple submitters, no conflicts (2 of 4 stars). 2 submissions from 2 submitters: Uncertain significance (2). Last evaluated 2024-08-15.

Conditions:
Inborn genetic diseases. Identifiers: MedGen C0950123, MeSH D030342.

Allele frequency attached by ClinVar (database versions not stated): ExAC 0.00005; gnomAD exomes 0.00005; TOPMed 0.00010; ESP Exome Variant Server 0.00016.
gnomAD v4.1: 41 of 1,604,428 alleles (0.0026%); highest among the groups gnomAD compares: African/African-American, 0.023%; no homozygotes.

Submissions (2):

Ambry Genetics
Classification: Uncertain significance for Inborn genetic diseases. Last evaluated: 2024-08-15. Review status: criteria provided, single submitter. Criteria: Ambry Variant Classification Scheme 2023. Collection method: clinical testing. Allele origin: germline.

Labcorp Genetics (formerly Invitae), Labcorp
Classification: Uncertain significance. Last evaluated: 2022-09-01. Review status: criteria provided, single submitter. Criteria: Invitae Variant Classification Sherloc (09022015). Collection method: clinical testing. Allele origin: germline.
Comment: This sequence change replaces arginine, which is basic and polar, with histidine, which is basic and polar, at codon 857 of the TONSL protein (p.Arg857His). This variant is present in population databases (rs148146816, gnomAD 0.03%). This variant has not been reported in the literature in individuals affected with TONSL-related conditions. ClinVar contains an entry for this variant (Variation ID: 1379331). Algorithms developed to predict the effect of missense changes on protein structure and function (SIFT, PolyPhen-2, Align-GVGD) all suggest that this variant is likely to be tolerated. In summary, the available evidence is currently insufficient to determine the role of this variant in disease. Therefore, it has been classified as a Variant of Uncertain Significance.

NM_013432.5(TONSL):c.2570G>A (p.Arg857His)

Genes: TONSL (tonsoku like, DNA repair protein; minus strand), TONSL-AS1 (TONSL antisense RNA 1; plus strand). Cytogenetic location: 8q24.3.
Variant type: single nucleotide variant.
Coding change: c.2570G>A on transcript NM_013432.5 (MANE Select); coding-DNA position 2570, G replaced by A.
Protein change: p.Arg857His; replaces arginine 857 with histidine.
Molecular consequence: missense variant.
Genome position (GRCh38, 1-based): chr8:144,435,863, C>T on the plus strand (G>A on the coding strand, the complement: TONSL is on the minus strand). VCF-style: chr8-144435863-C-T. GRCh37 (hg19) VCF-style: chr8-145661246-C-T.
Other names: c.2570G>A (NM_013432.4); short protein forms R857H.
Identifiers: ClinVar variation 1379331 (VCV001379331.6), dbSNP rs148146816, ClinGen allele CA4942780.